The following is an entry in ClinVar:

ClinVar aggregate classification (germline): Uncertain significance. Review status: criteria provided, multiple submitters, no conflicts (2 of 4 stars). 3 submissions from 3 submitters: Uncertain significance (3). Last evaluated 2024-08-06.

Conditions:
Cardiac arrhythmia. Also called: Arrhythmia; Cardiac rhythm disease. Identifiers: MedGen C0003811, MONDO:0007263, HP:0011675.
Long QT syndrome (LQTS). Identifiers: MedGen C0023976, MeSH D008133, MONDO:0002442. Disease mechanism: loss of function. Inheritance: Various modes of inheritance.
Cardiovascular phenotype. Identifiers: MedGen CN230736.

Allele frequency attached by ClinVar (database versions not stated): gnomAD exomes 0.00001; gnomAD 0.00001.
gnomAD v4.1: 8 of 1,367,974 alleles (0.00058%); highest among the groups gnomAD compares: Non-Finnish European, 0.00078%; no homozygotes.

Submissions (3):

All of Us Research Program, National Institutes of Health
Classification: Uncertain significance for Long QT syndrome. Last evaluated: 2024-08-06. Review status: criteria provided, single submitter. Criteria: ACMG Guidelines, 2015. Collection method: clinical testing. Allele origin: germline. Inheritance: Autosomal dominant inheritance. Observed: 2 variant alleles, 2 heterozygotes.
Comment: This missense variant replaces phenylalanine with cysteine at codon 891 of the KCNH2 protein. Computational prediction suggests that this variant may have deleterious impact on protein structure and function (internally defined REVEL score threshold >= 0.7, PMID: 27666373). To our knowledge, functional studies have not been reported for this variant. This variant has not been reported in individuals affected with cardiovascular disorders in the literature. This variant has not been identified in the general population by the Genome Aggregation Database (gnomAD). The available evidence is insufficient to determine the role of this variant in disease conclusively. Therefore, this variant is classified as a Variant of Uncertain Significance.

This study involves interpretation of variants in research participants for the purpose of population health screening. Participant phenotype was not available at the time of variant classification. Additional details can be found in publication PMID: 35346344, PMCID: PMC8962531

Color Diagnostics, LLC DBA Color Health
Classification: Uncertain significance for Cardiac arrhythmia. Last evaluated: 2024-03-06. Review status: criteria provided, single submitter. Criteria: ACMG Guidelines, 2015. Collection method: clinical testing. Allele origin: germline.
Comment: This missense variant replaces phenylalanine with cysteine at codon 891 of the KCNH2 protein. Computational prediction suggests that this variant may have deleterious impact on protein structure and function (internally defined REVEL score threshold >= 0.7, PMID: 27666373). To our knowledge, functional studies have not been reported for this variant. This variant has not been reported in individuals affected with KCNH2-related disorders in the literature. This variant has not been identified in the general population by the Genome Aggregation Database (gnomAD). The available evidence is insufficient to determine the role of this variant in disease conclusively. Therefore, this variant is classified as a Variant of Uncertain Significance.

Ambry Genetics
Classification: Uncertain significance for Cardiovascular phenotype. Last evaluated: 2019-07-08. Review status: criteria provided, single submitter. Criteria: Ambry Variant Classification Scheme 2023. Collection method: clinical testing. Allele origin: germline.
Comment: The p.F891C variant (also known as c.2672T>G), located in coding exon 11 of the KCNH2 gene, results from a T to G substitution at nucleotide position 2672. The phenylalanine at codon 891 is replaced by cysteine, an amino acid with highly dissimilar properties. This amino acid position is highly conserved in available vertebrate species. In addition, this alteration is predicted to be deleterious by in silico analysis. Since supporting evidence is limited at this time, the clinical significance of this alteration remains unclear.

NM_000238.4(KCNH2):c.2672T>G (p.Phe891Cys)

Gene: KCNH2 (potassium voltage-gated channel subfamily H member 2; minus strand). Cytogenetic location: 7q36.1.
Variant type: single nucleotide variant.
Coding change: c.2672T>G on transcript NM_000238.4 (MANE Select); coding-DNA position 2672, T replaced by G.
Protein change: p.Phe891Cys; replaces phenylalanine 891 with cysteine.
Molecular consequence: missense variant.
Genome position (GRCh38, 1-based): chr7:150,948,464, A>C on the plus strand (T>G on the coding strand, the complement: KCNH2 is on the minus strand). VCF-style: chr7-150948464-A-C. GRCh37 (hg19) VCF-style: chr7-150645552-A-C.
Other names: c.2384T>G, p.Phe795Cys (NM_001406753.1); c.1652T>G, p.Phe551Cys (NM_172057.3); short protein forms F795C, F891C, F551C.
Identifiers: ClinVar variation 1794569 (VCV001794569.6), dbSNP rs1244787081, ClinGen allele CA369853663.
Genomic context (GRCh38, chr7:150,948,464, plus strand): 5'-TTGTCCCCGCCCTCCCCCTTCCTCCCCTCCCCCGCCTCACCCTTGTCCGTGCGCCTGCGG[A>C]AGGACAACTTGCGCTTGCGTTGCCGACTGAAGCCACCCTCTAACTCCGTACTGCCGGGGG-3'
Protein context (NP_000229.1, residues 881-901): FSRQRKRKLS[Phe891Cys]RRRTDKDTEQ